The following is an entry in ClinVar:

NM_001278716.2(FBXL4):c.567C>A (p.Arg189=)

Gene: FBXL4 (F-box and leucine rich repeat protein 4; minus strand). Cytogenetic location: 6q16.2.
Variant type: single nucleotide variant.
Coding change: c.567C>A on transcript NM_001278716.2 (MANE Select); coding-DNA position 567, C replaced by A.
Protein change: p.Arg189=; no amino-acid change (arginine 189 retained).
Molecular consequence: synonymous variant.
Genome position (GRCh38, 1-based): chr6:98,917,665, G>T on the plus strand (C>A on the coding strand, the complement: FBXL4 is on the minus strand). VCF-style: chr6-98917665-G-T. GRCh37 (hg19) VCF-style: chr6-99365541-G-T.
Other names: c.567C>A, p.Arg189= (NM_012160.5).
Identifiers: ClinVar variation 437601 (VCV000437601.1), dbSNP rs761581391, ClinGen allele CA3933652.

ClinVar aggregate classification (germline): Uncertain significance (1 of 4 stars; one submission).

Conditions:
Mitochondrial DNA depletion syndrome 13. Also called: FBXL4-Related Encephalomyopathic Mitochondrial DNA Depletion Syndrome; Mitochondrial DNA depletion syndrome 13 (encephalomyopathic type). Identifiers: Orphanet 369897, MedGen C3809592, MONDO:0014198, OMIM 615471.

Allele frequency attached by ClinVar (database versions not stated): ExAC 0.00002; gnomAD exomes below 0.00001 and 0.00001; TOPMed below 0.00001.

Submission:

Wong Mito Lab, Molecular and Human Genetics, Baylor College of Medicine
Classification: Uncertain significance for Mitochondrial DNA depletion syndrome 13. Last evaluated: 2017-08-10. Review status: criteria provided, single submitter. Criteria: ACMG Guidelines, 2015. Collection method: reference population. Allele origin: germline.
Comment: The NM_012160.4:c.567C>A (NP_036292.2:p.Arg189=) [GRCH38: NC_000006.12:g.98917665G>T] variant in FBXL4 gene is interpretated to be a Uncertain Significance - Conflicting Evidence based on ACMG guidelines (PMID: 25741868). This variant meets one or more of the following evidence codes reported in the ACMG-guideline. PM2:This variant is absent in key population databases. BP4:Computational evidence/predictors indicate no impact on the FBXL4 structure, function, or protein-protein interaction. BP7:The variant is silent with non predicted splice impact. Based on this evidence code ClinGen Pathogenicity Calculator (PMID:28081714) suggested that the variant is Uncertain Significance - Conflicting Evidence.